The following is an entry in ClinVar:

ClinVar aggregate classification (germline): Uncertain significance (1 of 4 stars; one submission).

Submission:

GeneDx
Classification: Uncertain significance. Last evaluated: 2022-08-08. Review status: criteria provided, single submitter. Criteria: GeneDx Variant Classification Process June 2021. Collection method: clinical testing. Allele origin: germline. Affected: yes.
Comment: Not observed at significant frequency in large population cohorts (gnomAD); In silico analysis supports that this missense variant has a deleterious effect on protein structure/function; Has not been previously published as pathogenic or benign to our knowledge

NM_005618.4(DLL1):c.1491C>A (p.His497Gln)

Gene: DLL1 (delta like canonical Notch ligand 1; minus strand). Cytogenetic location: 6q27.
Variant type: single nucleotide variant.
Coding change: c.1491C>A on transcript NM_005618.4 (MANE Select); coding-DNA position 1491, C replaced by A.
Protein change: p.His497Gln; replaces histidine 497 with glutamine.
Molecular consequence: missense variant.
Genome position (GRCh38, 1-based): chr6:170,283,788, G>T on the plus strand (C>A on the coding strand, the complement: DLL1 is on the minus strand). VCF-style: chr6-170283788-G-T. GRCh37 (hg19) VCF-style: chr6-170592876-G-T.
Other names: short protein forms H497Q.
Identifiers: ClinVar variation 2429479 (VCV002429479.1), dbSNP rs777888615, ClinGen allele CA366507150.